The following is an entry in ClinVar:

NM_006231.4(POLE):c.1784A>C (p.Asn595Thr)

Gene: POLE (DNA polymerase epsilon, catalytic subunit; minus strand). Cytogenetic location: 12q24.33.
Variant type: single nucleotide variant.
Coding change: c.1784A>C on transcript NM_006231.4 (MANE Select); coding-DNA position 1784, A replaced by C.
Protein change: p.Asn595Thr; replaces asparagine 595 with threonine.
Molecular consequence: missense variant.
Genome position (GRCh38, 1-based): chr12:132,672,225, T>G on the plus strand (A>C on the coding strand, the complement: POLE is on the minus strand). VCF-style: chr12-132672225-T-G. GRCh37 (hg19) VCF-style: chr12-133248811-T-G.
Other names: short protein forms N595T.
Identifiers: ClinVar variation 2829953 (VCV002829953.3), dbSNP rs969500436, ClinGen allele CA387356226.

ClinVar aggregate classification (germline): Uncertain significance (1 of 4 stars; one submission).

Submission:

Labcorp Genetics (formerly Invitae), Labcorp
Classification: Uncertain significance. Last evaluated: 2025-07-21. Review status: criteria provided, single submitter. Criteria: Invitae Variant Classification Sherloc (09022015). Collection method: clinical testing. Allele origin: germline.
Comment: This sequence change replaces asparagine, which is neutral and polar, with threonine, which is neutral and polar, at codon 595 of the POLE protein (p.Asn595Thr). This variant is not present in population databases (gnomAD no frequency). This variant has not been reported in the literature in individuals affected with POLE-related conditions. ClinVar contains an entry for this variant (Variation ID: 2829953). Invitae Evidence Modeling of protein sequence and biophysical properties (such as structural, functional, and spatial information, amino acid conservation, physicochemical variation, residue mobility, and thermodynamic stability) indicates that this missense variant is expected to disrupt POLE protein function with a positive predictive value of 80%. In summary, the available evidence is currently insufficient to determine the role of this variant in disease. Therefore, it has been classified as a Variant of Uncertain Significance.